The following is an entry in ClinVar:

NM_003036.4(SKI):c.99C>G (p.Gly33=)

Gene: SKI (SKI proto-oncogene; plus strand). Cytogenetic location: 1p36.33.
Variant type: single nucleotide variant.
Coding change: c.99C>G on transcript NM_003036.4 (MANE Select); coding-DNA position 99, C replaced by G.
Protein change: p.Gly33=; no amino-acid change (glycine 33 retained).
Molecular consequence: synonymous variant.
Genome position (GRCh38, 1-based): chr1:2,228,865, C>G. VCF-style: chr1-2228865-C-G. GRCh37 (hg19) VCF-style: chr1-2160304-C-G.
Other names: p.G33G:GGC>GGG; p.Gly33=.
Identifiers: ClinVar variation 139112 (VCV000139112.46), dbSNP rs200019352, ClinGen allele CA302690.

ClinVar aggregate classification (germline): Benign. Review status: criteria provided, multiple submitters, no conflicts (2 of 4 stars). 14 submissions from 14 submitters: Benign (14). Last evaluated 2026-02-04.

Conditions:
Familial thoracic aortic aneurysm and aortic dissection (TAAD). Also called: Thoracic aortic aneurysms and dissections. Identifiers: Orphanet 91387, MedGen C4707243, MONDO:0019625.
Shprintzen-Goldberg syndrome (SGS). Also called: CRANIOSYNOSTOSIS WITH ARACHNODACTYLY AND ABDOMINAL HERNIAS; SHPRINTZEN-GOLDBERG CRANIOSYNOSTOSIS SYNDROME; Marfanoid disorder with craniosynostosis type 1; Marfanoid craniosynostosis syndrome; Shprintzen-Goldberg marfanoid syndrome. Identifiers: Orphanet 2462, MedGen C1321551, MONDO:0008426, OMIM 182212.

Allele frequency attached by ClinVar (database versions not stated): ESP Exome Variant Server 0.00450; 1000 Genomes Project 0.00719; 1000 Genomes Project 30x 0.00765; gnomAD exomes 0.01328; gnomAD 0.01340 and 0.01364; TOPMed 0.01379; ExAC 0.01894.
gnomAD v4.1: 29,388 of 1,428,256 alleles (2.1%); highest among the groups gnomAD compares: Non-Finnish European, 2.4%; 365 homozygotes.

Submissions (14):

Labcorp Genetics (formerly Invitae), Labcorp
Classification: Benign for Shprintzen-Goldberg syndrome. Last evaluated: 2026-02-04. Review status: criteria provided, single submitter. Criteria: Invitae Variant Classification Sherloc (09022015). Collection method: clinical testing. Allele origin: germline.

ARUP Laboratories, Molecular Genetics and Genomics, ARUP Laboratories
Classification: Benign for Shprintzen-Goldberg syndrome. Last evaluated: 2025-07-29. Review status: criteria provided, single submitter. Criteria: ARUP Molecular Germline Variant Investigation Process 2024. Collection method: clinical testing. Allele origin: germline.

Molecular Diagnostic Laboratory for Inherited Cardiovascular Disease, Montreal Heart Institute
Classification: Benign. Last evaluated: 2025-04-09. Review status: criteria provided, single submitter. Criteria: ACMG Guidelines, 2015. Collection method: clinical testing. Allele origin: germline. Affected: no.

Blueprint Genetics
Classification: Benign. Last evaluated: 2024-11-26. Review status: criteria provided, single submitter. Criteria: ACMG Guidelines, 2015. Collection method: clinical testing. Allele origin: germline.

Women's Health and Genetics/Laboratory Corporation of America, LabCorp
Classification: Benign. Last evaluated: 2023-07-21. Review status: criteria provided, single submitter. Criteria: LabCorp Variant Classification Summary - May 2015. Collection method: clinical testing. Allele origin: germline.

Mayo Clinic Laboratories, Mayo Clinic
Classification: Benign. Last evaluated: 2022-05-20. Review status: criteria provided, single submitter. Criteria: ACMG Guidelines, 2015. Collection method: clinical testing. Allele origin: germline. Observed: 55 variant alleles.
Comment: BS1, BS2, BP4, BP7

Genome-Nilou Lab
Classification: Benign for Shprintzen-Goldberg syndrome. Last evaluated: 2021-07-14. Review status: criteria provided, single submitter. Criteria: ACMG Guidelines, 2015. Collection method: clinical testing. Allele origin: germline. Affected: no.

Genetic Services Laboratory, University of Chicago
Classification: Benign. Last evaluated: 2018-07-14. Review status: criteria provided, single submitter. Criteria: ACMG Guidelines, 2015. Collection method: clinical testing. Allele origin: germline. Affected: no.

Laboratory for Molecular Medicine, Mass General Brigham Personalized Medicine
Classification: Benign. Last evaluated: 2015-11-03. Review status: criteria provided, single submitter. Criteria: LMM Criteria. Collection method: clinical testing. Allele origin: germline. Observed: 1 variant allele.
Comment: p.Gly33Gly in exon 1 of SKI: This variant is not expected to have clinical signi ficance because it does not alter an amino acid residue and is not located withi n the splice consensus sequence. It has been identified in 1.8% (248/13094) of p an ethnic chromosomes including two homozygous individuals by the Exome Aggregat ion Consortium (ExAC; dbSNP rs200019352).

Ambry Genetics
Classification: Benign for Familial thoracic aortic aneurysm and aortic dissection. Last evaluated: 2015-01-23. Review status: criteria provided, single submitter. Criteria: Ambry Variant Classification Scheme 2023. Collection method: clinical testing. Allele origin: germline.

Eurofins Ntd Llc (ga)
Classification: Benign. Last evaluated: 2015-01-13. Review status: criteria provided, single submitter. Criteria: EGL Classification Definitions 2015. Collection method: clinical testing. Allele origin: germline. Observed: 1 variant allele, 1 heterozygote.

GeneDx
Classification: Benign. Last evaluated: 2014-05-27. Review status: criteria provided, single submitter. Criteria: GeneDx Variant Classification (06012015). Collection method: clinical testing. Allele origin: germline. Affected: yes.
Comment: This variant is considered likely benign or benign based on one or more of the following criteria: it is a conservative change, it occurs at a poorly conserved position in the protein, it is predicted to be benign by multiple in silico algorithms, and/or has population frequency not consistent with disease.

Breakthrough Genomics
Classification: Benign. Review status: criteria provided, single submitter. Criteria: ACMG Guidelines, 2015. Collection method: not provided. Allele origin: germline. Inheritance: Autosomal dominant inheritance. Affected: yes.

PreventionGenetics, part of Exact Sciences
Classification: Benign. Review status: criteria provided, single submitter. Criteria: ACMG Guidelines, 2015. Collection method: clinical testing. Allele origin: germline.